The following is an entry in ClinVar:

ClinVar aggregate classification (germline): Uncertain significance (1 of 4 stars; one submission).

gnomAD v4.1: 8 of 1,610,020 alleles (0.0005%); highest among the groups gnomAD compares: Admixed American, 0.0017%; no homozygotes.

Submission:

Ambry Genetics
Classification: Uncertain significance. Last evaluated: 2025-11-25. Review status: criteria provided, single submitter. Criteria: Ambry Variant Classification Scheme 2023. Collection method: clinical testing. Allele origin: germline.
Comment: The p.P796S variant (also known as c.2386C>T), located in coding exon 11 of the WNK2 gene, results from a C to T substitution at nucleotide position 2386. The proline at codon 796 is replaced by serine, an amino acid with similar properties. This amino acid position is conserved. In addition, the in silico prediction for this alteration is inconclusive. Based on the available evidence, the clinical significance of this variant remains unclear.

NM_006648.4(WNK2):c.2386C>T (p.Pro796Ser)

Gene: WNK2 (WNK lysine deficient protein kinase 2; plus strand). Cytogenetic location: 9q22.31.
Variant type: single nucleotide variant.
Coding change: c.2386C>T on transcript NM_006648.4 (MANE Select); coding-DNA position 2386, C replaced by T.
Protein change: p.Pro796Ser; replaces proline 796 with serine.
Molecular consequence: missense variant.
Genome position (GRCh38, 1-based): chr9:93,258,934, C>T. VCF-style: chr9-93258934-C-T. GRCh37 (hg19) VCF-style: chr9-96021216-C-T.
Other names: c.2386C>T, p.Pro796Ser (NM_001282394.3); short protein forms P796S.
Identifiers: ClinVar variation 4605392 (VCV004605392.1).